The following is an entry in ClinVar:

NM_000535.7(PMS2):c.705+11C>T

Gene: PMS2 (PMS1 homolog 2, mismatch repair system component; minus strand). Cytogenetic location: 7p22.1.
Variant type: single nucleotide variant.
Coding change: c.705+11C>T on transcript NM_000535.7 (MANE Select); 11 bases into the intron after coding-DNA position 705, C replaced by T.
Molecular consequence: intron variant.
Genome position (GRCh38, 1-based): chr7:5,999,097, G>A on the plus strand (C>T on the coding strand, the complement: PMS2 is on the minus strand). VCF-style: chr7-5999097-G-A. GRCh37 (hg19) VCF-style: chr7-6038728-G-A.
Other names: c.387+11C>T (NM_001322008.2, NM_001406902.1, NM_001406883.1 and 4 more transcripts); c.396+11C>T (NM_001406881.1, NM_001406879.1, NM_001322015.2 and 6 more transcripts); c.300+11C>T (NM_001406895.1, NM_001322010.2, NM_001322004.2 and 19 more transcripts); c.132+3356C>T (NM_001406911.1); c.192+119C>T (NM_001406904.1, NM_001406905.1); c.133-1674C>T (NM_001322013.2, NM_001406909.1); c.-229+11C>T (NM_001322012.2, NM_001322011.2); c.369+11C>T (NM_001406885.1); and 6 more.
Identifiers: ClinVar variation 4809551 (VCV004809551.1).

ClinVar aggregate classification (germline): Uncertain significance (1 of 4 stars; one submission).

Conditions:
Hereditary nonpolyposis colorectal neoplasms. Identifiers: MedGen C0009405, MeSH D003123.

Submission:

Labcorp Genetics (formerly Invitae), Labcorp
Classification: Uncertain significance for Hereditary nonpolyposis colorectal neoplasms. Last evaluated: 2025-11-12. Review status: criteria provided, single submitter. Criteria: Invitae Variant Classification Sherloc (09022015). Collection method: clinical testing. Allele origin: germline.
Comment: This sequence change falls in intron 6 of the PMS2 gene. It does not directly change the encoded amino acid sequence of the PMS2 protein. This variant is not present in population databases (gnomAD no frequency). This variant has not been reported in the literature in individuals affected with PMS2-related conditions. Algorithms developed to predict the effect of sequence changes on RNA splicing suggest that this variant may create or strengthen a splice site. In summary, the available evidence is currently insufficient to determine the role of this variant in disease. Therefore, it has been classified as a Variant of Uncertain Significance.